The following is an entry in ClinVar:

NM_005263.5(GFI1):c.569G>C (p.Gly190Ala)

Gene: GFI1 (growth factor independent 1 transcriptional repressor; minus strand). Cytogenetic location: 1p22.1.
Variant type: single nucleotide variant.
Coding change: c.569G>C on transcript NM_005263.5 (MANE Select); coding-DNA position 569, G replaced by C.
Protein change: p.Gly190Ala; replaces glycine 190 with alanine.
Molecular consequence: missense variant.
Genome position (GRCh38, 1-based): chr1:92,480,818, C>G on the plus strand (G>C on the coding strand, the complement: GFI1 is on the minus strand). VCF-style: chr1-92480818-C-G. GRCh37 (hg19) VCF-style: chr1-92946375-C-G.
Other names: c.569G>C, p.Gly190Ala (NM_001127215.3, NM_001127216.3); short protein forms G190A.
Identifiers: ClinVar variation 943387 (VCV000943387.11), dbSNP rs528437159, ClinGen allele CA951361.
Genomic context (GRCh38, chr1:92,480,818, plus strand): 5'-AGCCCGGCTGCCGCAGACCCGAAGTCGCCGTAGAGCCCTAGGCCAGGGCCAGCGGTGGCA[C>G]CGGCCCCTGCGCTGCAGCTCCCTGGCGCCCCGGCCCCCGCGCCGCCGGCAGCCCGCTTCG-3'
Protein context (NP_005254.2, residues 180-200): GAPGSCSAGA[Gly190Ala]ATAGPGLGLY

ClinVar aggregate classification (germline): Uncertain significance. Review status: criteria provided, multiple submitters, no conflicts (2 of 4 stars). 2 submissions from 2 submitters: Uncertain significance (2). Last evaluated 2025-05-05.

Conditions:
Neutropenia, severe congenital, 2, autosomal dominant. Identifiers: Orphanet 486, MedGen C2751288, MONDO:0013139, OMIM 613107.

Allele frequency attached by ClinVar (database versions not stated): gnomAD exomes 0.00002; TOPMed 0.00002; ExAC 0.00003; gnomAD 0.00004 and 0.00005; 1000 Genomes Project 30x 0.00016; 1000 Genomes Project 0.00020.
gnomAD v4.1: 36 of 1,569,198 alleles (0.0023%); highest among the groups gnomAD compares: Middle Eastern, 0.021%; no homozygotes.

Submissions (2):

Labcorp Genetics (formerly Invitae), Labcorp
Classification: Uncertain significance for Neutropenia, severe congenital, 2, autosomal dominant. Last evaluated: 2025-05-05. Review status: criteria provided, single submitter. Criteria: Invitae Variant Classification Sherloc (09022015). Collection method: clinical testing. Allele origin: germline.
Comment: This sequence change replaces glycine, which is neutral and non-polar, with alanine, which is neutral and non-polar, at codon 190 of the GFI1 protein (p.Gly190Ala). This variant is present in population databases (rs528437159, gnomAD 0.004%). This variant has not been reported in the literature in individuals affected with GFI1-related conditions. ClinVar contains an entry for this variant (Variation ID: 943387). Invitae Evidence Modeling of protein sequence and biophysical properties (such as structural, functional, and spatial information, amino acid conservation, physicochemical variation, residue mobility, and thermodynamic stability) indicates that this missense variant is not expected to disrupt GFI1 protein function with a negative predictive value of 80%. In summary, the available evidence is currently insufficient to determine the role of this variant in disease. Therefore, it has been classified as a Variant of Uncertain Significance.

Ambry Genetics
Classification: Uncertain significance. Last evaluated: 2024-12-06. Review status: criteria provided, single submitter. Criteria: Ambry Variant Classification Scheme 2023. Collection method: clinical testing. Allele origin: germline.
Comment: The p.G190A variant (also known as c.569G>C), located in coding exon 3 of the GFI1 gene, results from a G to C substitution at nucleotide position 569. The glycine at codon 190 is replaced by alanine, an amino acid with similar properties. This amino acid position is conserved. In addition, this alteration is predicted to be tolerated by in silico analysis. Based on the available evidence, the clinical significance of this variant remains unclear.